The following is an entry in ClinVar:

ClinVar aggregate classification (germline): Conflicting classifications of pathogenicity. Review status: criteria provided, conflicting classifications (1 of 4 stars). 4 submissions from 4 submitters: Uncertain significance (3); Likely benign (1). Last evaluated 2026-02-18.

Conditions:
Klippel-Feil anomaly-myopathy-facial dysmorphism syndrome. Also called: Klippel-Feil syndrome 4, autosomal recessive, with myopathy and facial dysmorphism; Klippel-feil syndrome 4, autosomal recessive, with nemaline myopathy and facial dysmorphism. Identifiers: Orphanet 447974, MedGen C4225285, MONDO:0014689, OMIM 616549.
MYO18B-related disorder. Also called: MYO18B-related condition.

Allele frequency attached by ClinVar (database versions not stated): gnomAD 0.00049; TOPMed 0.00049; gnomAD exomes 0.00066; ESP Exome Variant Server 0.00075.
gnomAD v4.1: 1,195 of 1,613,808 alleles (0.074%); highest among the groups gnomAD compares: Non-Finnish European, 0.092%; 2 homozygotes.

Submissions (4):

PreventionGenetics, part of Exact Sciences
Classification: Likely benign for MYO18B-related condition. Last evaluated: 2026-02-18. Review status: criteria provided, single submitter. Criteria: ACMG Guidelines, 2015. Collection method: clinical testing. Allele origin: germline.
Comment: This variant is classified as likely benign based on ACMG/AMP sequence variant interpretation guidelines (Richards et al. 2015 PMID: 25741868, with internal and published modifications).

Labcorp Genetics (formerly Invitae), Labcorp
Classification: Uncertain significance. Last evaluated: 2026-01-20. Review status: criteria provided, single submitter. Criteria: Invitae Variant Classification Sherloc (09022015). Collection method: clinical testing. Allele origin: germline.
Comment: This sequence change replaces glycine, which is neutral and non-polar, with valine, which is neutral and non-polar, at codon 1323 of the MYO18B protein (p.Gly1323Val). This variant is present in population databases (rs201745993, gnomAD 0.1%), and has an allele count higher than expected for a pathogenic variant. This variant has not been reported in the literature in individuals affected with MYO18B-related conditions. ClinVar contains an entry for this variant (Variation ID: 1403529). An algorithm developed to predict the effect of missense changes on protein structure and function (PolyPhen-2) suggests that this variant is likely to be disruptive. In summary, the available evidence is currently insufficient to determine the role of this variant in disease. Therefore, it has been classified as a Variant of Uncertain Significance.

Revvity Omics, Revvity
Classification: Uncertain significance for Klippel-Feil anomaly-myopathy-facial dysmorphism syndrome. Last evaluated: 2024-12-20. Review status: criteria provided, single submitter. Criteria: ACMG Guidelines, 2015. Collection method: clinical testing. Allele origin: germline.

Mayo Clinic Laboratories, Mayo Clinic
Classification: Uncertain significance. Last evaluated: 2018-12-10. Review status: criteria provided, single submitter. Criteria: ACMG Guidelines, 2015. Collection method: clinical testing. Allele origin: germline. Observed: 1 variant allele.

NM_032608.7(MYO18B):c.3968G>T (p.Gly1323Val)

Gene: MYO18B (myosin XVIIIB; plus strand). Cytogenetic location: 22q12.1.
Variant type: single nucleotide variant.
Coding change: c.3968G>T on transcript NM_032608.7 (MANE Select); coding-DNA position 3968, G replaced by T.
Protein change: p.Gly1323Val; replaces glycine 1323 with valine.
Molecular consequence: missense variant.
Genome position (GRCh38, 1-based): chr22:25,874,302, G>T. VCF-style: chr22-25874302-G-T. GRCh37 (hg19) VCF-style: chr22-26270269-G-T.
Other names: p.Gly1323Val; c.3971G>T, p.Gly1324Val (NM_001318245.2); c.3968G>T (NM_032608.6); short protein forms G1324V, G1323V.
Identifiers: ClinVar variation 1403529 (VCV001403529.7), dbSNP rs201745993, ClinGen allele CA10160718.
Genomic context (GRCh38, chr22:25,874,302, plus strand): 5'-CCTTCTTCAGCAGAGGACTCACCTGAAACCTTCCCTCTCCCCAGGTTTTTCTCAAGGCAG[G>T]TGTGATCTCCAGGCTTGAGAAGCAGCGAGAGAAGCTGGTATCTCAGAGCATCGTTCTCTT-3'
Protein context (NP_115997.5, residues 1313-1333): VGHSQVFLKA[Gly1323Val]VISRLEKQRE